The following is an entry in ClinVar:

NM_000094.4(COL7A1):c.1087C>T (p.Leu363Phe)

Gene: COL7A1 (collagen type VII alpha 1 chain; minus strand). Cytogenetic location: 3p21.31.
Variant type: single nucleotide variant.
Coding change: c.1087C>T on transcript NM_000094.4 (MANE Select); coding-DNA position 1087, C replaced by T.
Protein change: p.Leu363Phe; replaces leucine 363 with phenylalanine.
Molecular consequence: missense variant.
Genome position (GRCh38, 1-based): chr3:48,592,357, G>A on the plus strand (C>T on the coding strand, the complement: COL7A1 is on the minus strand). VCF-style: chr3-48592357-G-A. GRCh37 (hg19) VCF-style: chr3-48629790-G-A.
Other names: short protein forms L363F.
Identifiers: ClinVar variation 3619908 (VCV003619908.2).

ClinVar aggregate classification (germline): Uncertain significance (1 of 4 stars; one submission).

Submission:

Labcorp Genetics (formerly Invitae), Labcorp
Classification: Uncertain significance. Last evaluated: 2024-07-02. Review status: criteria provided, single submitter. Criteria: Invitae Variant Classification Sherloc (09022015). Collection method: clinical testing. Allele origin: germline.
Comment: This sequence change replaces leucine, which is neutral and non-polar, with phenylalanine, which is neutral and non-polar, at codon 363 of the COL7A1 protein (p.Leu363Phe). This variant is not present in population databases (gnomAD no frequency). This variant has not been reported in the literature in individuals affected with COL7A1-related conditions. Advanced modeling of protein sequence and biophysical properties (such as structural, functional, and spatial information, amino acid conservation, physicochemical variation, residue mobility, and thermodynamic stability) performed at Invitae indicates that this missense variant is not expected to disrupt COL7A1 protein function with a negative predictive value of 95%. In summary, the available evidence is currently insufficient to determine the role of this variant in disease. Therefore, it has been classified as a Variant of Uncertain Significance.